The following is an entry in ClinVar:

NM_001844.5(COL2A1):c.86-50C>T

Gene: COL2A1 (collagen type II alpha 1 chain; minus strand). Cytogenetic location: 12q13.11.
Variant type: single nucleotide variant.
Coding change: c.86-50C>T on transcript NM_001844.5 (MANE Select); 50 bases into the intron before coding-DNA position 86, C replaced by T.
Molecular consequence: intron variant.
Genome position (GRCh38, 1-based): chr12:48,000,175, G>A on the plus strand (C>T on the coding strand, the complement: COL2A1 is on the minus strand). VCF-style: chr12-48000175-G-A. GRCh37 (hg19) VCF-style: chr12-48393958-G-A.
Other names: NC_000012.11:g.48393958G>A; c.86-1744C>T (NM_033150.3); c.86-50C>T (NM_001844.4).
Identifiers: ClinVar variation 1701196 (VCV001701196.33), dbSNP rs183224734, ClinGen allele CA6536105.

ClinVar aggregate classification (germline): Likely benign. Review status: criteria provided, single submitter (1 of 4 stars). 2 submissions from 2 submitters: Likely benign (1). 1 of the submissions does not count toward it. Last evaluated 2026-03-01.

Conditions:
COL2A1-related disorder. Also called: COL2A1-related condition; COL2A1-related disorders.

Allele frequency attached by ClinVar (database versions not stated): 1000 Genomes Project 0.00080; 1000 Genomes Project 30x 0.00094; ESP Exome Variant Server 0.00116.
gnomAD v4.1: 2,248 of 1,316,162 alleles (0.17%); highest among the groups gnomAD compares: Non-Finnish European, 0.21%; 6 homozygotes.

Submissions (3):

CeGaT Center for Human Genetics Tuebingen
Classification: Likely benign. Last evaluated: 2026-03-01. Review status: criteria provided, single submitter. Criteria: CeGaT Center For Human Genetics Tuebingen Variant Classification Criteria Version 2. Collection method: clinical testing. Allele origin: germline. Affected: yes. Observed: 4 variant alleles.
Comment: COL2A1: BS1

PreventionGenetics, part of Exact Sciences
Classification: Likely benign for COL2A1-related condition. Last evaluated: 2023-05-26. Review status: no assertion criteria provided. Collection method: clinical testing. Allele origin: germline. Not counted in ClinVar's aggregate classification.
Comment: This variant is classified as likely benign based on ACMG/AMP sequence variant interpretation guidelines (Richards et al. 2015 PMID: 25741868, with internal and published modifications).

Dr. Peter K. Rogan Lab, Western University
No classification provided (evidence only). Condition: Thymoma. Review status: no classification provided. Collection method: in vitro. Allele origin: not applicable. Functional consequence: skipped exon. Not counted in ClinVar's aggregate classification.